The following is an entry in ClinVar:

ClinVar aggregate classification (germline): Likely pathogenic (1 of 4 stars; one submission).

Conditions:
Hereditary cancer-predisposing syndrome. Also called: Tumor predisposition; Hereditary neoplastic syndrome; Hereditary Cancer Syndrome; Neoplastic Syndromes, Hereditary. Identifiers: Orphanet 140162, MedGen C0027672, MeSH D009386, MONDO:0015356.

Submission:

Labcorp Genetics (formerly Invitae), Labcorp
Classification: Likely pathogenic for Hereditary cancer-predisposing syndrome. Last evaluated: 2024-06-17. Review status: criteria provided, single submitter. Criteria: Invitae Variant Classification Sherloc (09022015). Collection method: clinical testing. Allele origin: germline.
Comment: This sequence change affects an acceptor splice site in intron 1 of the RAD50 gene. RNA analysis indicates that disruption of this splice site induces altered splicing and likely results in a shortened protein product. This variant is not present in population databases (gnomAD no frequency). Disruption of this splice site has been observed in individual(s) with ovarian cancer and breast cancer (PMID: 33099839, 35017683). ClinVar contains an entry for this variant (Variation ID: 577968). Studies have shown that disruption of this splice site results in skipping of exon 2, but is expected to preserve the integrity of the reading-frame (Invitae). In summary, the currently available evidence indicates that the variant is pathogenic, but additional data are needed to prove that conclusively. Therefore, this variant has been classified as Likely Pathogenic.

Literature cited by the submitters: PubMed 33099839; PubMed 35017683.

NM_005732.4(RAD50):c.130-1G>A

Gene: RAD50 (RAD50 double strand break repair protein; plus strand). Cytogenetic location: 5q31.1.
Variant type: single nucleotide variant.
Coding change: c.130-1G>A on transcript NM_005732.4 (MANE Select); the canonical splice acceptor site of the intron before coding-DNA position 130, G replaced by A.
Molecular consequence: splice acceptor variant.
Genome position (GRCh38, 1-based): chr5:132,559,283, G>A. VCF-style: chr5-132559283-G-A. GRCh37 (hg19) VCF-style: chr5-131894975-G-A.
Identifiers: ClinVar variation 577968 (VCV000577968.7), dbSNP rs876658784, ClinGen allele CA360953094.